The following is an entry in ClinVar:

NM_004273.5(CHST3):c.591G>A (p.Leu197=)

Gene: CHST3 (carbohydrate sulfotransferase 3; plus strand). Cytogenetic location: 10q22.1.
Variant type: single nucleotide variant.
Coding change: c.591G>A on transcript NM_004273.5 (MANE Select); coding-DNA position 591, G replaced by A.
Protein change: p.Leu197=; no amino-acid change (leucine 197 retained).
Molecular consequence: synonymous variant.
Genome position (GRCh38, 1-based): chr10:72,007,622, G>A. VCF-style: chr10-72007622-G-A. GRCh37 (hg19) VCF-style: chr10-73767380-G-A.
Identifiers: ClinVar variation 2691447 (VCV002691447.1), dbSNP rs2494769732, ClinGen allele CA470284145.

ClinVar aggregate classification (germline): Likely benign (1 of 4 stars; one submission).

Allele frequency attached by ClinVar (database versions not stated): gnomAD exomes below 0.00001.
gnomAD v4.1: 2 of 1,610,080 alleles (0.00012%); highest among the groups gnomAD compares: East Asian, 0.0022%; no homozygotes.

Submission:

Women's Health and Genetics/Laboratory Corporation of America, LabCorp
Classification: Likely benign. Last evaluated: 2023-12-29. Review status: criteria provided, single submitter. Criteria: LabCorp Variant Classification Summary - May 2015. Collection method: clinical testing. Allele origin: germline.
Comment: Variant summary: CHST3 c.591G>A alters a non-conserved nucleotide resulting in a synonymous change. Consensus agreement among computation tools predict no significant impact on normal splicing. However, these predictions have yet to be confirmed by functional studies. The frequency data for this variant in gnomAD is considered unreliable, as metrics indicate poor data quality at this position. To our knowledge, no occurrence of c.591G>A in individuals affected with Spondyloepiphyseal Dysplasia With Congenital Joint Dislocations and no experimental evidence demonstrating its impact on protein function have been reported. No submitters have cited clinical-significance assessments for this variant to ClinVar after 2014. Based on the evidence outlined above, the variant was classified as likely benign.